The following is an entry in ClinVar:

ClinVar aggregate classification (germline): Uncertain significance. Review status: criteria provided, multiple submitters, no conflicts (2 of 4 stars). 4 submissions from 4 submitters: Uncertain significance (3). 1 of the submissions does not count toward it. Last evaluated 2025-09-01.

Conditions:
Inborn genetic diseases. Identifiers: MedGen C0950123, MeSH D030342.
Fanconi anemia (FA). Also called: Fanconi's anemia. Identifiers: Orphanet 84, MedGen C0015625, MeSH D005199, MONDO:0019391.

Allele frequency attached by ClinVar (database versions not stated): ExAC 0.00001; gnomAD exomes 0.00001; TOPMed 0.00001; gnomAD 0.00002.
gnomAD v4.1: 30 of 1,614,044 alleles (0.0019%); highest among the groups gnomAD compares: African/African-American, 0.0027%; no homozygotes.

Submissions (4):

Labcorp Genetics (formerly Invitae), Labcorp
Classification: Uncertain significance for Fanconi anemia. Last evaluated: 2025-09-01. Review status: criteria provided, single submitter. Criteria: Invitae Variant Classification Sherloc (09022015). Collection method: clinical testing. Allele origin: germline.
Comment: This sequence change replaces glycine, which is neutral and non-polar, with serine, which is neutral and polar, at codon 1039 of the FANCA protein (p.Gly1039Ser). This variant is present in population databases (rs773260958, gnomAD 0.005%). This variant has not been reported in the literature in individuals affected with FANCA-related conditions. ClinVar contains an entry for this variant (Variation ID: 574581). Invitae Evidence Modeling of protein sequence and biophysical properties (such as structural, functional, and spatial information, amino acid conservation, physicochemical variation, residue mobility, and thermodynamic stability) indicates that this missense variant is not expected to disrupt FANCA protein function with a negative predictive value of 95%. In summary, the available evidence is currently insufficient to determine the role of this variant in disease. Therefore, it has been classified as a Variant of Uncertain Significance.

Ambry Genetics
Classification: Uncertain significance for Inborn genetic diseases. Last evaluated: 2025-08-24. Review status: criteria provided, single submitter. Criteria: Ambry Variant Classification Scheme 2023. Collection method: clinical testing. Allele origin: germline.

Sema4
Classification: Uncertain significance for Fanconi anemia. Last evaluated: 2021-12-29. Review status: criteria provided, single submitter. Criteria: Sema4 Curation Guidelines. Collection method: curation. Allele origin: germline.
Comment: The FANCA c.3115G>A (p.G1039S) variant has not been reported in the literature to our knowledge. It was observed in 4/282864 chromosomes in the large and broad cohorts of the Genome Aggregation Database (PMID: 32461654). This variant has been reported in ClinVar (Variation ID 574581). In silico tools suggest the impact of the variant on protein function is benign, though these predictions have not been confirmed by functional studies. The evidence is insufficient to meet ACMG/AMP criteria for classifying the variant as benign or pathogenic. Thus, the clinical significance of this variant is currently uncertain.

Natera, Inc.
Classification: Uncertain significance for Fanconi anemia. Last evaluated: 2019-10-28. Review status: no assertion criteria provided. Collection method: clinical testing. Allele origin: germline. Not counted in ClinVar's aggregate classification.

NM_000135.4(FANCA):c.3115G>A (p.Gly1039Ser)

Gene: FANCA (FA complementation group A; minus strand). Cytogenetic location: 16q24.3.
Variant type: single nucleotide variant.
Coding change: c.3115G>A on transcript NM_000135.4 (MANE Select); coding-DNA position 3115, G replaced by A.
Protein change: p.Gly1039Ser; replaces glycine 1039 with serine.
Molecular consequence: missense variant.
Genome position (GRCh38, 1-based): chr16:89,749,854, C>T on the plus strand (G>A on the coding strand, the complement: FANCA is on the minus strand). VCF-style: chr16-89749854-C-T. GRCh37 (hg19) VCF-style: chr16-89816262-C-T.
Other names: c.3115G>A (LRG_495t1); c.3115G>A, p.Gly1039Ser (NM_001286167.3); short protein forms G1039S.
Identifiers: ClinVar variation 574581 (VCV000574581.12), dbSNP rs773260958, ClinGen allele CA8251325.
Genomic context (GRCh38, chr16:89,749,854, plus strand): 5'-GAGCCTGGAGCCGTCTGCGGAAAATCTCAAAGAGGAAGTGCTCCTGGGAAGGGGTGTGGC[C>T]GAGAGGCACTATGAGGTCTTGCTGCAGCTCCAGGTCAGCTACCATCTCCTGAAAAAGAGC-3'
Protein context (NP_000126.2, residues 1029-1049): ELQQDLIVPL[Gly1039Ser]HTPSQEHFLF